The following is an entry in ClinVar:

NM_024334.3(TMEM43):c.973C>T (p.Leu325Phe)

Gene: TMEM43 (transmembrane protein 43; plus strand). Cytogenetic location: 3p25.1.
Variant type: single nucleotide variant.
Coding change: c.973C>T on transcript NM_024334.3 (MANE Select); coding-DNA position 973, C replaced by T.
Protein change: p.Leu325Phe; replaces leucine 325 with phenylalanine.
Molecular consequence: missense variant.
Genome position (GRCh38, 1-based): chr3:14,139,270, C>T. VCF-style: chr3-14139270-C-T. GRCh37 (hg19) VCF-style: chr3-14180770-C-T.
Other names: short protein forms L325F.
Identifiers: ClinVar variation 650437 (VCV000650437.14), dbSNP rs373644386, ClinGen allele CA056324.
Genomic context (GRCh38, chr3:14,139,270, plus strand): 5'-TCCATGAAGACCTGGGGCCTGCGGGCAGCTGGCTGGATGGCCATGTTCATGGGCCTCAAC[C>T]TTATGACACGGATCCTCTACACCTTGGGTAGGTGTTGGGGTGGGTCACTGCCCTCCCTCC-3'
Protein context (NP_077310.1, residues 315-335): GWMAMFMGLN[Leu325Phe]MTRILYTLVD

ClinVar aggregate classification (germline): Uncertain significance. Review status: criteria provided, multiple submitters, no conflicts (2 of 4 stars). 4 submissions from 4 submitters: Uncertain significance (4). Last evaluated 2025-10-29.

Conditions:
Cardiovascular phenotype. Identifiers: MedGen CN230736.
Arrhythmogenic right ventricular dysplasia 5. Also called: Arrhythmogenic Right Ventricular Dysplasia/Cardiomyopathy 5; ARRHYTHMOGENIC RIGHT VENTRICULAR DYSPLASIA, FAMILIAL, 5. Identifiers: MedGen C1858379, MONDO:0011459, OMIM 604400.

Allele frequency attached by ClinVar (database versions not stated): ExAC 0.00001; gnomAD 0.00001; gnomAD exomes 0.00001; TOPMed 0.00001; ESP Exome Variant Server 0.00008.
gnomAD v4.1: 30 of 1,614,012 alleles (0.0019%); highest among the groups gnomAD compares: Non-Finnish European, 0.0025%; no homozygotes.

Submissions (4):

Ambry Genetics
Classification: Uncertain significance for Cardiovascular phenotype. Last evaluated: 2025-10-29. Review status: criteria provided, single submitter. Criteria: Ambry Variant Classification Scheme 2023. Collection method: clinical testing. Allele origin: germline.
Comment: The p.L325F variant (also known as c.973C>T), located in coding exon 11 of the TMEM43 gene, results from a C to T substitution at nucleotide position 973. The leucine at codon 325 is replaced by phenylalanine, an amino acid with highly similar properties. This amino acid position is highly conserved in available vertebrate species. In addition, this alteration is predicted to be deleterious by in silico analysis. Since supporting evidence is limited at this time, the clinical significance of this alteration remains unclear.

Labcorp Genetics (formerly Invitae), Labcorp
Classification: Uncertain significance for Arrhythmogenic right ventricular dysplasia 5. Last evaluated: 2024-12-04. Review status: criteria provided, single submitter. Criteria: Invitae Variant Classification Sherloc (09022015). Collection method: clinical testing. Allele origin: germline.
Comment: This sequence change replaces leucine, which is neutral and non-polar, with phenylalanine, which is neutral and non-polar, at codon 325 of the TMEM43 protein (p.Leu325Phe). This variant is present in population databases (rs373644386, gnomAD 0.007%). This variant has not been reported in the literature in individuals affected with TMEM43-related conditions. ClinVar contains an entry for this variant (Variation ID: 650437). Invitae Evidence Modeling of protein sequence and biophysical properties (such as structural, functional, and spatial information, amino acid conservation, physicochemical variation, residue mobility, and thermodynamic stability) indicates that this missense variant is not expected to disrupt TMEM43 protein function with a negative predictive value of 80%. In summary, the available evidence is currently insufficient to determine the role of this variant in disease. Therefore, it has been classified as a Variant of Uncertain Significance.

All of Us Research Program, National Institutes of Health
Classification: Uncertain significance for Arrhythmogenic right ventricular dysplasia 5. Last evaluated: 2024-05-14. Review status: criteria provided, single submitter. Criteria: ACMG Guidelines, 2015. Collection method: clinical testing. Allele origin: germline. Inheritance: Autosomal dominant inheritance. Observed: 2 variant alleles, 2 heterozygotes.
Comment: This missense variant replaces leucine with phenylalanine at codon 325 of the TMEM43 protein. Computational prediction suggests that this variant may not impact protein structure and function (internally defined REVEL score threshold <= 0.5, PMID: 27666373). To our knowledge, functional studies have not been reported for this variant. This variant has not been reported in individuals affected with TMEM43-related disorders in the literature. This variant has been identified in 3/251466 chromosomes in the general population by the Genome Aggregation Database (gnomAD). The available evidence is insufficient to determine the role of this variant in disease conclusively. Therefore, this variant is classified as a Variant of Uncertain Significance.

This study involves interpretation of variants in research participants for the purpose of population health screening. Participant phenotype was not available at the time of variant classification. Additional details can be found in publication PMID: 35346344, PMCID: PMC8962531

Blueprint Genetics
Classification: Uncertain significance. Last evaluated: 2023-06-26. Review status: criteria provided, single submitter. Criteria: ACMG Guidelines, 2015. Collection method: clinical testing. Allele origin: germline.